The following is an entry in ClinVar:

ClinVar aggregate classification (germline): Uncertain significance (1 of 4 stars; one submission).

Conditions:
Nemaline myopathy 2 (NEM2). Also called: Nemaline myopathy 2, autosomal recessive. Identifiers: MedGen C1850569, MONDO:0009725, OMIM 256030.

Allele frequency attached by ClinVar (database versions not stated): TOPMed 0.00001.
gnomAD v4.1: 6 of 1,609,128 alleles (0.00037%); highest among the groups gnomAD compares: South Asian, 0.0066%; no homozygotes.

Submission:

Labcorp Genetics (formerly Invitae), Labcorp
Classification: Uncertain significance for Nemaline myopathy 2. Last evaluated: 2022-07-29. Review status: criteria provided, single submitter. Criteria: Invitae Variant Classification Sherloc (09022015). Collection method: clinical testing. Allele origin: germline.
Comment: This sequence change replaces aspartic acid, which is acidic and polar, with glutamic acid, which is acidic and polar, at codon 6576 of the NEB protein (p.Asp6576Glu). This variant is present in population databases (rs781205139, gnomAD 0.003%). This variant has not been reported in the literature in individuals affected with NEB-related conditions. Algorithms developed to predict the effect of missense changes on protein structure and function are either unavailable or do not agree on the potential impact of this missense change (SIFT: "Tolerated"; PolyPhen-2: "Not Available"; Align-GVGD: "Class C0"). Algorithms developed to predict the effect of sequence changes on RNA splicing suggest that this variant may create or strengthen a splice site. In summary, the available evidence is currently insufficient to determine the role of this variant in disease. Therefore, it has been classified as a Variant of Uncertain Significance.

NM_001164508.2(NEB):c.19728T>A (p.Asp6576Glu)

Gene: NEB (nebulin; minus strand). Cytogenetic location: 2q23.3.
Variant type: single nucleotide variant.
Coding change: c.19728T>A on transcript NM_001164508.2 (MANE Select); coding-DNA position 19728, T replaced by A.
Protein change: p.Asp6576Glu; replaces aspartic acid 6576 with glutamic acid.
Molecular consequence: missense variant.
Genome position (GRCh38, 1-based): chr2:151,553,401, A>T on the plus strand (T>A on the coding strand, the complement: NEB is on the minus strand). VCF-style: chr2-151553401-A-T. GRCh37 (hg19) VCF-style: chr2-152409915-A-T.
Other names: c.19728T>A, p.Asp6576Glu (NM_001164507.2, NM_001271208.2); c.14625T>A, p.Asp4875Glu (NM_004543.5); short protein forms D4875E, D6576E.
Identifiers: ClinVar variation 2156057 (VCV002156057.1), dbSNP rs781205139, ClinGen allele CA1907557.